The following is an entry in ClinVar:

ClinVar aggregate classification (germline): Uncertain significance (1 of 4 stars; one submission).

Submission:

Labcorp Genetics (formerly Invitae), Labcorp
Classification: Uncertain significance. Last evaluated: 2025-09-10. Review status: criteria provided, single submitter. Criteria: Invitae Variant Classification Sherloc (09022015). Collection method: clinical testing. Allele origin: germline.
Comment: This sequence change creates a premature translational stop signal (p.Asn1375Ilefs*2) in the ANKRD26 gene. It is expected to result in an absent or disrupted protein product. However, the current clinical and genetic evidence is not sufficient to establish whether loss-of-function variants in ANKRD26 cause disease. This variant is not present in population databases (gnomAD no frequency). This variant has not been reported in the literature in individuals affected with ANKRD26-related conditions. Algorithms developed to predict the effect of sequence changes on RNA splicing suggest that this variant may disrupt the consensus splice site. In summary, the available evidence is currently insufficient to determine the role of this variant in disease. Therefore, it has been classified as a Variant of Uncertain Significance.

NM_014915.3(ANKRD26):c.4124_4128del (p.Asn1375fs)

Gene: ANKRD26 (ankyrin repeat domain 26; minus strand). Cytogenetic location: 10p12.1.
Variant type: Deletion.
Coding change: c.4124_4128del on transcript NM_014915.3 (MANE Select); coding-DNA positions 4124 to 4128, 5 bases deleted (ATGAA; older notation c.4124_4128delATGAA).
Protein change: p.Asn1375fs; shifts the reading frame from asparagine 1375.
Molecular consequence: frameshift variant.
Genome position (GRCh38, 1-based): chr10:27,022,645-27,022,649, TTCAT deleted on the plus strand (ATGAA on the coding strand, the reverse complement: ANKRD26 is on the minus strand); deleting any 5 consecutive bases within chr10:27,022,645-27,022,651 gives the same sequence; the c. name uses the placement nearest the transcript's 3' end. VCF-style (leftmost placement, unchanged base first): chr10-27022644-ATTCAT-A. GRCh37 (hg19) VCF-style: chr10-27311573-ATTCAT-A.
Other names: c.4121_4125del, p.Asn1374fs (NM_001256053.2); short protein forms N1374fs, N1375fs.
Identifiers: ClinVar variation 4726968 (VCV004726968.1).
Genomic context (GRCh38, chr10:27,022,644, plus strand): 5'-TATCCATTTCAAATTGACTAGTTTTTAAATCTCCATGGAAACTAAATTCTCCATTTTCAT[ATTCAT>A]TTAACTTCTTTCTTGTCATTTTTAAGAGGTTCTTAAATCTGCAGGAAGGTACAAAATGAG-3'